The following is an entry in ClinVar:

ClinVar aggregate classification (germline): Likely benign (1 of 4 stars; one submission).

Conditions:
TWIST1-related disorder.

Submission:

PreventionGenetics, part of Exact Sciences
Classification: Likely benign for TWIST1-related condition. Last evaluated: 2025-05-08. Review status: criteria provided, single submitter. Criteria: ACMG Guidelines, 2015. Collection method: clinical testing. Allele origin: germline.
Comment: This variant is classified as likely benign based on ACMG/AMP sequence variant interpretation guidelines (Richards et al. 2015 PMID: 25741868, with internal and published modifications).

NM_000474.4(TWIST1):c.260_274del (p.Ala87_Gly91del)

Gene: TWIST1 (twist family bHLH transcription factor 1; minus strand). Cytogenetic location: 7p21.1.
Variant type: Deletion.
Coding change: c.260_274del on transcript NM_000474.4 (MANE Select); coding-DNA positions 260 to 274, 15 bases deleted (CGGGCGGCGGCGGCG).
Protein change: p.Ala87_Gly91del.
Molecular consequence: inframe deletion. On other transcripts: non-coding transcript variant (1).
Genome position (GRCh38, 1-based): chr7:19,117,048-19,117,062, CGCCGCCGCCGCCCG deleted on the plus strand (CGGGCGGCGGCGGCG on the coding strand, the reverse complement: TWIST1 is on the minus strand); deleting any 15 consecutive bases within chr7:19,117,048-19,117,075 gives the same sequence; the c. name uses the placement nearest the transcript's 3' end. VCF-style (leftmost placement, unchanged base first): chr7-19117047-CCGCCGCCGCCGCCCG-C. GRCh37 (hg19) VCF-style: chr7-19156670-CCGCCGCCGCCGCCCG-C.
Identifiers: ClinVar variation 4989352 (VCV004989352.1).
Genomic context (GRCh38, chr7:19,117,047, plus strand): 5'-ATGACCCGCTGCGTCTGCAGCTCCTCGTAAGACTGCGGACTCCCGCCGCCGCTGCTGCTG[CCGCCGCCGCCGCCCG>C]CGCCGCCGCCGCCGCCACAGCCCGCAGACTTCTTGCCGCGCTTGCCCTGGGCCGGGCTGC-3'